The following is an entry in ClinVar:

ClinVar aggregate classification (germline): Likely benign (1 of 4 stars; one submission).

Conditions:
DNAH6-related disorder. Also called: DNAH6-related condition.

gnomAD v4.1: 5 of 1,550,236 alleles (0.00032%); highest among the groups gnomAD compares: South Asian, 0.0024%; no homozygotes.

Submission:

PreventionGenetics, part of Exact Sciences
Classification: Likely benign for DNAH6-related condition. Last evaluated: 2026-03-31. Review status: criteria provided, single submitter. Criteria: ACMG Guidelines, 2015. Collection method: clinical testing. Allele origin: germline.
Comment: This variant is classified as likely benign based on ACMG/AMP sequence variant interpretation guidelines (Richards et al. 2015 PMID: 25741868, with internal and published modifications).

NM_001370.2(DNAH6):c.10209A>G (p.Glu3403=)

Gene: DNAH6 (dynein axonemal heavy chain 6; plus strand). Cytogenetic location: 2p11.2.
Variant type: single nucleotide variant.
Coding change: c.10209A>G on transcript NM_001370.2 (MANE Select); coding-DNA position 10209, A replaced by G.
Protein change: p.Glu3403=; no amino-acid change (glutamic acid 3403 retained).
Molecular consequence: synonymous variant.
Genome position (GRCh38, 1-based): chr2:84,733,446, A>G. VCF-style: chr2-84733446-A-G. GRCh37 (hg19) VCF-style: chr2-84960570-A-G.
Identifiers: ClinVar variation 4994314 (VCV004994314.1).